The following is an entry in ClinVar:

NM_002769.5(PRSS1):c.423C>G (p.Ile141Met)

Genes: TRB (T cell receptor beta locus; plus strand), PRSS1 (serine protease 1; plus strand). Cytogenetic location: 7q34.
Variant type: single nucleotide variant.
Coding change: c.423C>G on transcript NM_002769.5 (MANE Select); coding-DNA position 423, C replaced by G.
Protein change: p.Ile141Met; replaces isoleucine 141 with methionine.
Molecular consequence: missense variant. On other transcripts: non-coding transcript variant (5).
Genome position (GRCh38, 1-based): chr7:142,751,996, C>G. VCF-style: chr7-142751996-C-G. GRCh37 (hg19) VCF-style: chr7-142459847-C-G.
Other names: c.423C>G (NM_002769.4); short protein forms I141M.
Identifiers: ClinVar variation 3235238 (VCV003235238.2), dbSNP rs772256079.
Genomic context (GRCh38, chr7:142,751,996, plus strand): 5'-CCGCGTGTCCACCATCTCTCTGCCCACCGCCCCTCCAGCCACTGGCACGAAGTGCCTCAT[C>G]TCTGGCTGGGGCAACACTGCGAGCTCTGGCGGTGAGTGGGACCCTTAGTCCTTCTACTTC-3'
Protein context (NP_002760.1, residues 131-151): APPATGTKCL[Ile141Met]SGWGNTASSG

ClinVar aggregate classification (germline): Uncertain significance. Review status: criteria provided, multiple submitters, no conflicts (2 of 4 stars). 2 submissions from 2 submitters: Uncertain significance (2). Last evaluated 2025-01-13.

Conditions:
Hereditary pancreatitis (PCTT). Also called: Hereditary chronic pancreatitis; PRSS1-Related Hereditary Pancreatitis. Identifiers: Orphanet 676, MedGen C0238339, MONDO:0008185, OMIM 167800.

Allele frequency attached by ClinVar (database versions not stated): gnomAD exomes below 0.00001; ExAC 0.00001.
gnomAD v4.1: 1 of 1,614,206 alleles (0.000062%); highest among the groups gnomAD compares: Non-Finnish European, 0.000085%; no homozygotes.

Submissions (2):

Ambry Genetics
Classification: Uncertain significance for Hereditary pancreatitis. Last evaluated: 2025-01-13. Review status: criteria provided, single submitter. Criteria: Ambry Variant Classification Scheme 2023. Collection method: clinical testing. Allele origin: germline.
Comment: The p.I141M variant (also known as c.423C>G), located in coding exon 3 of the PRSS1 gene, results from a C to G substitution at nucleotide position 423. The isoleucine at codon 141 is replaced by methionine, an amino acid with highly similar properties. This amino acid position is conserved. In addition, the in silico prediction for this alteration is inconclusive. Based on the available evidence, the clinical significance of this variant remains unclear.

MVZ Medizinische Genetik Mainz
Classification: Uncertain significance for Hereditary pancreatitis. Last evaluated: 2023-02-09. Review status: criteria provided, single submitter. Criteria: UK Practice Guidelines For Variant Classification V4 01 2020. Collection method: clinical testing. Allele origin: germline. Inheritance: Autosomal dominant inheritance. Affected: yes. Observed: 1 variant allele.
Comment: ACMG Criteria: PM2_SUP, PP3, PP4 (ACMG Version 4)